The following is an entry in ClinVar:

ClinVar aggregate classification (germline): Uncertain significance (1 of 4 stars; one submission).

Conditions:
Glycine encephalopathy. Also called: Non-ketotic hyperglycinemia; Nonketotic hyperglycinemia. Identifiers: Orphanet 407, MedGen C0751748, MONDO:0011612, HP:0008288.

Allele frequency attached by ClinVar (database versions not stated): ExAC 0.00001.

Submission:

Labcorp Genetics (formerly Invitae), Labcorp
Classification: Uncertain significance for Glycine encephalopathy. Last evaluated: 2022-11-22. Review status: criteria provided, single submitter. Criteria: Invitae Variant Classification Sherloc (09022015). Collection method: clinical testing. Allele origin: germline.
Comment: This sequence change replaces tyrosine, which is neutral and polar, with serine, which is neutral and polar, at codon 133 of the GLDC protein (p.Tyr133Ser). In summary, the available evidence is currently insufficient to determine the role of this variant in disease. Therefore, it has been classified as a Variant of Uncertain Significance. Advanced modeling of protein sequence and biophysical properties (such as structural, functional, and spatial information, amino acid conservation, physicochemical variation, residue mobility, and thermodynamic stability) performed at Invitae indicates that this missense variant is expected to disrupt GLDC protein function. This variant has not been reported in the literature in individuals affected with GLDC-related conditions. This variant is present in population databases (rs751373832, gnomAD 0.006%).

NM_000170.3(GLDC):c.398A>C (p.Tyr133Ser)

Gene: GLDC (glycine decarboxylase; minus strand). Cytogenetic location: 9p24.1.
Variant type: single nucleotide variant.
Coding change: c.398A>C on transcript NM_000170.3 (MANE Select); coding-DNA position 398, A replaced by C.
Protein change: p.Tyr133Ser; replaces tyrosine 133 with serine.
Molecular consequence: missense variant.
Genome position (GRCh38, 1-based): chr9:6,620,256, T>G on the plus strand (A>C on the coding strand, the complement: GLDC is on the minus strand). VCF-style: chr9-6620256-T-G. GRCh37 (hg19) VCF-style: chr9-6620256-T-G.
Other names: short protein forms Y133S.
Identifiers: ClinVar variation 1719383 (VCV001719383.6), dbSNP rs751373832, ClinGen allele CA4981163.